The following is an entry in ClinVar:

NM_000256.3(MYBPC3):c.2070del

Gene: MYBPC3 (myosin binding protein C3; minus strand). Cytogenetic location: 11p11.2.
Variant type: Deletion.
Coding change: c.2070del on transcript NM_000256.3 (MANE Select); coding-DNA position 2070, one base deleted (G; older notation c.2070delG).
Molecular consequence: splice acceptor variant.
Genome position (GRCh38, 1-based): chr11:47,339,402, C deleted on the plus strand (G on the coding strand, the reverse complement: MYBPC3 is on the minus strand); the first of 4 consecutive C bases (chr11:47,339,402-47,339,405); deleting any one gives the same sequence. VCF-style (leftmost placement, unchanged base first): chr11-47339401-TC-T. GRCh37 (hg19) VCF-style: chr11-47360952-TC-T.
Identifiers: ClinVar variation 4685538 (VCV004685538.1).
Genomic context (GRCh38, chr11:47,339,401, plus strand): 5'-ACTCATCGCTGTCACCTGTGTCCTCTGGGGCATCTGGGGCTGGCCTGGCTGGGGCCTTAT[TC>T]CCCTGGGAACAGGGCAGGAGGGAAGTAGGGAGCAGAGGAGCTGACTCAGCCTGGAAGCGC-3'

ClinVar aggregate classification (germline): Likely pathogenic (1 of 4 stars; one submission).

Conditions:
Hypertrophic cardiomyopathy 4. Also called: Familial hypertrophic cardiomyopathy 4. Identifiers: MedGen C1861862, MONDO:0007268, OMIM 115197.

Submission:

Clinical Genetics Laboratory, Skane University Hospital Lund
Classification: Likely pathogenic for Hypertrophic cardiomyopathy 4. Last evaluated: 2026-01-16. Review status: criteria provided, single submitter. Criteria: ACMG Guidelines, 2015. Collection method: clinical testing. Allele origin: germline. Affected: yes.
Comment: Gene-specific criteria (ClinGen Cardiomyopathy Expert Panel Specifications to the ACMG/AMP Variant Interpretation Guidelines for MYBPC3 Version 1.0.0) used: PVS1, PM2.